The following is an entry in ClinVar:

NM_014832.5(TBC1D4):c.499-2A>G

Gene: TBC1D4 (TBC1 domain family member 4; minus strand). Cytogenetic location: 13q22.2.
Variant type: single nucleotide variant.
Coding change: c.499-2A>G on transcript NM_014832.5 (MANE Select); the canonical splice acceptor site of the intron before coding-DNA position 499, A replaced by G.
Molecular consequence: splice acceptor variant.
Genome position (GRCh38, 1-based): chr13:75,362,609, T>C on the plus strand (A>G on the coding strand, the complement: TBC1D4 is on the minus strand). VCF-style: chr13-75362609-T-C. GRCh37 (hg19) VCF-style: chr13-75936745-T-C.
Other names: c.499-2A>G (NM_001286659.2, NM_001286658.2).
Identifiers: ClinVar variation 5019835 (VCV005019835.2).
Genomic context (GRCh38, chr13:75,362,609, plus strand): 5'-GCATCCTCTTTCATGGCCGCTTTAGATAATTGCCTTATGCTGCTAATAACATCAGGAACC[T>C]GGGGGAAAAAATTAAAACCCTGATTCTAGTTGAAAGTTTTGAGACAATTTACATTTACCT-3'

ClinVar aggregate classification (germline): Uncertain significance (1 of 4 stars; one submission).

Conditions:
Diabetes mellitus, noninsulin-dependent, 5 (T2D5). Also called: TYPE 2 DIABETES 5. Identifiers: MedGen C4015183, MONDO:0014488, OMIM 616087.

Submission:

Juno Genomics, Hangzhou Juno Genomics, Inc
Classification: Uncertain significance for Diabetes mellitus, noninsulin-dependent, 5. Review status: criteria provided, single submitter. Criteria: ACMG Guidelines, 2015. Collection method: clinical testing. Allele origin: germline.
Comment: Absent from controls (or at extremely low frequency if recessive) in Genome Aggregation Database.;Multiple lines of computational evidence support a deleterious effect on the gene or gene product.